The following is an entry in ClinVar:

NM_015981.4(CAMK2A):c.1047C>T (p.Ile349=)

Gene: CAMK2A (calcium/calmodulin dependent protein kinase II alpha; minus strand). Cytogenetic location: 5q32.
Variant type: single nucleotide variant.
Coding change: c.1047C>T on transcript NM_015981.4 (MANE Select); coding-DNA position 1047, C replaced by T.
Protein change: p.Ile349=; no amino-acid change (isoleucine 349 retained).
Molecular consequence: synonymous variant.
Genome position (GRCh38, 1-based): chr5:150,238,719, G>A on the plus strand (C>T on the coding strand, the complement: CAMK2A is on the minus strand). VCF-style: chr5-150238719-G-A. GRCh37 (hg19) VCF-style: chr5-149618282-G-A.
Other names: c.1047C>T, p.Ile349= (NM_001363989.1); c.1014C>T, p.Ile338= (NM_001363990.1, NM_001369025.2, NM_171825.3).
Identifiers: ClinVar variation 2655919 (VCV002655919.24), dbSNP rs754671966, ClinGen allele CA3509634.

ClinVar aggregate classification (germline): Likely benign (1 of 4 stars; one submission).

Allele frequency attached by ClinVar (database versions not stated): ExAC 0.00007; gnomAD 0.00009; TOPMed 0.00010; gnomAD exomes 0.00012.
gnomAD v4.1: 175 of 1,608,372 alleles (0.011%); highest among the groups gnomAD compares: East Asian, 0.14%; 1 homozygote.

Submission:

CeGaT Center for Human Genetics Tuebingen
Classification: Likely benign. Last evaluated: 2025-05-01. Review status: criteria provided, single submitter. Criteria: CeGaT Center For Human Genetics Tuebingen Variant Classification Criteria Version 2. Collection method: clinical testing. Allele origin: germline. Affected: yes. Observed: 2 variant alleles.
Comment: CAMK2A: BP4, BP7